The following is an entry in ClinVar:

ClinVar aggregate classification (germline): Uncertain significance. Review status: criteria provided, multiple submitters, no conflicts (2 of 4 stars). 3 submissions from 3 submitters: Uncertain significance (3). Last evaluated 2023-04-11.

Conditions:
Cobalamin C disease. Also called: methylmalonic aciduria and homocystinuria type cblC; Methylmalonic aciduria with homocystinuria cblC type; Methylmalonic aciduria and homocystinuria, Vitamin B12-responsive; Vitamin B12 metabolic defect with combined deficiency of methylmalonyl-CoA mutase and homocysteine:methyltetrahydrofolate methyltransferase; Cobalamin-C methylmalonic acidemia and homocystinuria; Methylmalonic acidemia and homocystinuria cblC type. Identifiers: Orphanet 26, Orphanet 79282, MedGen C1848561, MONDO:0010184, OMIM 277400.

Submissions (3):

Genome-Nilou Lab
Classification: Uncertain significance for Cobalamin C disease. Last evaluated: 2023-04-11. Review status: criteria provided, single submitter. Criteria: ACMG Guidelines, 2015. Collection method: clinical testing. Allele origin: germline. Affected: no.

Labcorp Genetics (formerly Invitae), Labcorp
Classification: Uncertain significance for Cobalamin C disease. Last evaluated: 2021-12-23. Review status: criteria provided, single submitter. Criteria: Invitae Variant Classification Sherloc (09022015). Collection method: clinical testing. Allele origin: germline.
Comment: In summary, the available evidence is currently insufficient to determine the role of this variant in disease. Therefore, it has been classified as a Variant of Uncertain Significance. Algorithms developed to predict the effect of missense changes on protein structure and function are either unavailable or do not agree on the potential impact of this missense change (SIFT: "Tolerated"; PolyPhen-2: "Probably Damaging"; Align-GVGD: "Class C0"). ClinVar contains an entry for this variant (Variation ID: 496437). This variant has not been reported in the literature in individuals affected with MMACHC-related conditions. This variant is not present in population databases (gnomAD no frequency). This sequence change replaces proline, which is neutral and non-polar, with threonine, which is neutral and polar, at codon 282 of the MMACHC protein (p.Pro282Thr).

Women's Health and Genetics/Laboratory Corporation of America, LabCorp
Classification: Uncertain significance. Last evaluated: 2017-04-03. Review status: criteria provided, single submitter. Criteria: LabCorp Variant Classification Summary - May 2015. Collection method: clinical testing. Allele origin: germline.
Comment: Variant summary: The MMACHC c.844C>A (p.Pro282Thr) variant involves the alteration of a conserved nucleotide. 3/4 in silico tools predict a damaging outcome for this variant. This variant is absent in 119038 control chromosomes. The variant of interest has not, to our knowledge, been reported in affected individuals as a germline variant via publications and/or reputable databases/clinical diagnostic laboratories; nor evaluated for functional impact by in vivo/vitro studies. Because of the absence of clinical information and the lack of functional studies, the variant is classified as a variant of uncertain significance (VUS) until additional information becomes available.

NM_015506.3(MMACHC):c.844C>A (p.Pro282Thr)

Gene: MMACHC (metabolism of cobalamin associated C; plus strand). Cytogenetic location: 1p34.1.
Variant type: single nucleotide variant.
Coding change: c.844C>A on transcript NM_015506.3 (MANE Select); coding-DNA position 844, C replaced by A.
Protein change: p.Pro282Thr; replaces proline 282 with threonine.
Molecular consequence: missense variant.
Genome position (GRCh38, 1-based): chr1:45,509,210, C>A. VCF-style: chr1-45509210-C-A. GRCh37 (hg19) VCF-style: chr1-45974882-C-A.
Other names: c.673C>A, p.Pro225Thr (NM_001330540.2); short protein forms P282T, P225T.
Identifiers: ClinVar variation 496437 (VCV000496437.7), dbSNP rs1553163019, ClinGen allele CA340134612.